The following is an entry in ClinVar:

ClinVar aggregate classification (germline): Uncertain significance (1 of 4 stars; one submission).

Submission:

GeneDx
Classification: Uncertain significance. Last evaluated: 2017-08-28. Review status: criteria provided, single submitter. Criteria: GeneDx Variant Classification (06012015). Collection method: clinical testing. Allele origin: germline. Affected: yes.
Comment: The E179D variant has not been published as a pathogenic variant, nor has it been reported as a benign variant to our knowledge. This variant is not observed in large population cohorts (Lek et al., 2016; 1000 Genomes Consortium et al., 2015; Exome Variant Server). The E179D variant is a conservative amino acid substitution, which is not likely to impact secondary protein structure as these residues share similar properties. This substitution occurs at a position that is conserved across species, and in silico analysis predicts this variant is probably damaging to the protein structure/function. An alternate missense variant at the same residue (c.537G>T) has been reported in association with multiple endocrine neoplasia type 1, supporting the functional importance of this region of the protein (Poncin et al., 1999). Based on the currently available information, it is unclear whether this variant is a pathogenic variant or a rare benign variant. We consider it to be a variant of uncertain significance.

NM_001370259.2(MEN1):c.537G>T (p.Glu179Asp)

Gene: MEN1 (menin 1; minus strand). Cytogenetic location: 11q13.1.
Variant type: single nucleotide variant.
Coding change: c.537G>T on transcript NM_001370259.2 (MANE Select); coding-DNA position 537, G replaced by T.
Protein change: p.Glu179Asp; replaces glutamic acid 179 with aspartic acid.
Molecular consequence: missense variant.
Genome position (GRCh38, 1-based): chr11:64,808,008, C>A on the plus strand (G>T on the coding strand, the complement: MEN1 is on the minus strand). VCF-style: chr11-64808008-C-A. GRCh37 (hg19) VCF-style: chr11-64575480-C-A.
Other names: c.552G>T, p.Glu184Asp (NM_000244.4, NM_130800.3, NM_130801.3 and 3 more transcripts); c.537G>T, p.Glu179Asp (NM_001370251.2, NM_001370260.2, NM_001370261.2 and 3 more transcripts); short protein forms E179D, E184D.
Identifiers: ClinVar variation 449446 (VCV000449446.3), dbSNP rs1555165811, ClinGen allele CA381185887.
Genomic context (GRCh38, chr11:64,808,008, plus strand): 5'-GTGCCAGGTGACCTCAGCTGTCTGCTCCCCATTGGGCCCAAACACTACCCAGGCATGATC[C>A]TCAGACAGGGCGAGGTGGACATCCCGGAGACCCAGGGCCTGGCAGGCCCCAACCACAGCA-3'
Protein context (NP_001357188.2, residues 169-189): GLRDVHLALS[Glu179Asp]DHAWVVFGPN